The following is an entry in ClinVar:

ClinVar aggregate classification (germline): Uncertain significance (1 of 4 stars; one submission).

Allele frequency attached by ClinVar (database versions not stated): gnomAD exomes below 0.00001; ExAC 0.00001.
gnomAD v4.1: 1 of 1,607,186 alleles (0.000062%); highest among the groups gnomAD compares: South Asian, 0.0011%; no homozygotes.

Submission:

Labcorp Genetics (formerly Invitae), Labcorp
Classification: Uncertain significance. Last evaluated: 2022-11-28. Review status: criteria provided, single submitter. Criteria: Invitae Variant Classification Sherloc (09022015). Collection method: clinical testing. Allele origin: germline.
Comment: Algorithms developed to predict the effect of sequence changes on RNA splicing suggest that this variant may create or strengthen a splice site. In summary, the available evidence is currently insufficient to determine the role of this variant in disease. Therefore, it has been classified as a Variant of Uncertain Significance. This sequence change replaces aspartic acid, which is acidic and polar, with asparagine, which is neutral and polar, at codon 147 of the IL6ST protein (p.Asp147Asn). This variant is present in population databases (rs775425402, gnomAD 0.003%). This variant has not been reported in the literature in individuals affected with IL6ST-related conditions. Algorithms developed to predict the effect of missense changes on protein structure and function output the following: SIFT: "Tolerated"; PolyPhen-2: "Benign"; Align-GVGD: "Class C0". The asparagine amino acid residue is found in multiple mammalian species, which suggests that this missense change does not adversely affect protein function.

NM_002184.4(IL6ST):c.439G>A (p.Asp147Asn)

Gene: IL6ST (interleukin 6 cytokine family signal transducer; minus strand). Cytogenetic location: 5q11.2.
Variant type: single nucleotide variant.
Coding change: c.439G>A on transcript NM_002184.4 (MANE Select); coding-DNA position 439, G replaced by A.
Protein change: p.Asp147Asn; replaces aspartic acid 147 with asparagine.
Molecular consequence: missense variant. On other transcripts: non-coding transcript variant (2), intron variant (3).
Genome position (GRCh38, 1-based): chr5:55,968,328, C>T on the plus strand (G>A on the coding strand, the complement: IL6ST is on the minus strand). VCF-style: chr5-55968328-C-T. GRCh37 (hg19) VCF-style: chr5-55264156-C-T.
Other names: c.439G>A, p.Asp147Asn (NM_001190981.2, NM_001364275.2, NM_175767.3); c.229G>A, p.Asp77Asn (NM_001364276.2); c.-423+1222G>A (NM_001364279.2, NM_001364277.2); c.-413+1222G>A (NM_001364278.2); short protein forms D147N, D77N.
Identifiers: ClinVar variation 2795934 (VCV002795934.3), dbSNP rs775425402, ClinGen allele CA3271705.